The following is an entry in ClinVar:

ClinVar aggregate classification (germline): Likely pathogenic (1 of 4 stars; one submission).

Conditions:
Cardiovascular phenotype. Identifiers: MedGen CN230736.

Submission:

Ambry Genetics
Classification: Likely pathogenic for Cardiovascular phenotype. Last evaluated: 2022-07-29. Review status: criteria provided, single submitter. Criteria: Ambry Variant Classification Scheme 2023. Collection method: clinical testing. Allele origin: germline.
Comment: The c.821+2dupT intronic variant results from a duplication of T two nucleotides after coding exon 7 of the MYBPC3 gene. Other alterations impacting the same donor site (c.821+5G>A and c.821+3G>T) have also been reported in association with HCM, and have demonstrated aberrant splicing (Carrier L et al. Circ. Res., 1997 Mar;80:427-34; Singer ES et al. Circ Genom Precis Med, 2019 01;12:e002368). This variant is considered to be rare based on population cohorts in the Genome Aggregation Database (gnomAD). This nucleotide position is highly conserved in available vertebrate species. In silico splice site analysis predicts that this alteration will weaken the native splice donor site. Based on the majority of available evidence to date, this variant is likely to be pathogenic.

NM_000256.3(MYBPC3):c.821+2dup

Gene: MYBPC3 (myosin binding protein C3; minus strand). Cytogenetic location: 11p11.2.
Variant type: Duplication.
Coding change: c.821+2dup on transcript NM_000256.3 (MANE Select); the canonical splice donor site of the intron after coding-DNA position 821, one base duplicated (T; older notation c.821+2dupT).
Molecular consequence: splice donor variant.
Genome position (GRCh38, 1-based): chr11:47,347,855, A duplicated on the plus strand (T on the coding strand, the reverse complement: MYBPC3 is on the minus strand). VCF-style (leftmost placement, unchanged base first): chr11-47347854-C-CA. GRCh37 (hg19) VCF-style: chr11-47369405-C-CA.
Other names: c.821+2dupT (NM_000256.3).
Identifiers: ClinVar variation 1762478 (VCV001762478.2), dbSNP rs2495775259, ClinGen allele CA2580084209.